The following is an entry in ClinVar:

NM_014252.4(SLC25A15):c.236C>G (p.Ser79Ter)

Gene: SLC25A15 (solute carrier family 25 member 15; plus strand). Cytogenetic location: 13q14.11.
Variant type: single nucleotide variant.
Coding change: c.236C>G on transcript NM_014252.4 (MANE Select); coding-DNA position 236, C replaced by G.
Protein change: p.Ser79Ter; replaces serine 79 with a stop codon.
Molecular consequence: nonsense. On other transcripts: non-coding transcript variant (2).
Genome position (GRCh38, 1-based): chr13:40,799,237, C>G. VCF-style: chr13-40799237-C-G. GRCh37 (hg19) VCF-style: chr13-41373373-C-G.
Other names: short protein forms S79*.
Identifiers: ClinVar variation 1393388 (VCV001393388.7), dbSNP rs2138045987, ClinGen allele CA387916991.

ClinVar aggregate classification (germline): Pathogenic/Likely pathogenic. Review status: criteria provided, multiple submitters, no conflicts (2 of 4 stars). 2 submissions from 2 submitters: Pathogenic (1); Likely pathogenic (1). Last evaluated 2023-07-15.

Conditions:
Hyperornithinemia-hyperammonemia-homocitrullinuria syndrome (HHHS). Also called: Ornithine translocase deficiency; HHH SYNDROME. Identifiers: Orphanet 415, MedGen C0268540, MONDO:0009393, OMIM 238970.

Allele frequency attached by ClinVar (database versions not stated): gnomAD exomes below 0.00001.
gnomAD v4.1: 7 of 1,614,210 alleles (0.00043%); highest among the groups gnomAD compares: Non-Finnish European, 0.00051%; no homozygotes.

Submissions (2):

Baylor Genetics
Classification: Likely pathogenic for Hyperornithinemia-hyperammonemia-homocitrullinuria syndrome. Last evaluated: 2023-07-15. Review status: criteria provided, single submitter. Criteria: ACMG Guidelines, 2015. Collection method: clinical testing. Allele origin: unknown.

Labcorp Genetics (formerly Invitae), Labcorp
Classification: Pathogenic for Hyperornithinemia-hyperammonemia-homocitrullinuria syndrome. Last evaluated: 2022-07-25. Review status: criteria provided, single submitter. Criteria: Invitae Variant Classification Sherloc (09022015). Collection method: clinical testing. Allele origin: germline.
Comment: For these reasons, this variant has been classified as Pathogenic. ClinVar contains an entry for this variant (Variation ID: 1393388). This variant has not been reported in the literature in individuals affected with SLC25A15-related conditions. This variant is not present in population databases (gnomAD no frequency). This sequence change creates a premature translational stop signal (p.Ser79*) in the SLC25A15 gene. It is expected to result in an absent or disrupted protein product. Loss-of-function variants in SLC25A15 are known to be pathogenic (PMID: 11552031, 19242930).

Literature cited by the submitters: PubMed 11552031 (cited by Labcorp Genetics (formerly Invitae), Labcorp); PubMed 19242930 (cited by Labcorp Genetics (formerly Invitae), Labcorp).